The following is an entry in ClinVar:

NM_001008537.3(NEXMIF):c.1149G>T (p.Lys383Asn)

Gene: NEXMIF (neurite extension and migration factor; minus strand). Cytogenetic location: Xq13.3.
Variant type: single nucleotide variant.
Coding change: c.1149G>T on transcript NM_001008537.3 (MANE Select); coding-DNA position 1149, G replaced by T.
Protein change: p.Lys383Asn; replaces lysine 383 with asparagine.
Molecular consequence: missense variant.
Genome position (GRCh38, 1-based): chrX:74,743,408, C>A on the plus strand (G>T on the coding strand, the complement: NEXMIF is on the minus strand). VCF-style: chrX-74743408-C-A. GRCh37 (hg19) VCF-style: chrX-73963243-C-A.
Other names: short protein forms K383N.
Identifiers: ClinVar variation 2505603 (VCV002505603.1), dbSNP rs2519915771, ClinGen allele CA413671240.

ClinVar aggregate classification (germline): Uncertain significance (1 of 4 stars; one submission).

Submission:

GeneDx
Classification: Uncertain significance. Last evaluated: 2022-12-16. Review status: criteria provided, single submitter. Criteria: GeneDx Variant Classification Process June 2021. Collection method: clinical testing. Allele origin: germline. Affected: yes.
Comment: Not observed at significant frequency in large population cohorts (gnomAD); In silico analysis supports that this missense variant does not alter protein structure/function; Has not been previously published as pathogenic or benign to our knowledge